The following is an entry in ClinVar:

NM_000245.4(MET):c.1043A>T (p.Gln348Leu)

Gene: MET (MET proto-oncogene, receptor tyrosine kinase; plus strand). Cytogenetic location: 7q31.2.
Variant type: single nucleotide variant.
Coding change: c.1043A>T on transcript NM_000245.4 (MANE Select); coding-DNA position 1043, A replaced by T.
Protein change: p.Gln348Leu; replaces glutamine 348 with leucine.
Molecular consequence: missense variant. On other transcripts: intron variant (1).
Genome position (GRCh38, 1-based): chr7:116,700,127, A>T. VCF-style: chr7-116700127-A-T. GRCh37 (hg19) VCF-style: chr7-116340181-A-T.
Other names: c.1043A>T, p.Gln348Leu (NM_001127500.3, NM_001324401.3); c.-91+27550A>T (NM_001324402.2); short protein forms Q348L.
Identifiers: ClinVar variation 1774702 (VCV001774702.7), dbSNP rs2485515687, ClinGen allele CA368970415.

ClinVar aggregate classification (germline): Uncertain significance. Review status: criteria provided, multiple submitters, no conflicts (2 of 4 stars). 2 submissions from 2 submitters: Uncertain significance (2). Last evaluated 2022-08-17.

Conditions:
Renal cell carcinoma. Identifiers: Orphanet 217071, MedGen C0007134, MeSH D002292, MONDO:0005086, HP:0005584.
Hereditary cancer-predisposing syndrome. Also called: Hereditary Cancer Syndrome; Hereditary neoplastic syndrome; Neoplastic Syndromes, Hereditary; Tumor predisposition. Identifiers: Orphanet 140162, MedGen C0027672, MeSH D009386, MONDO:0015356.

Submissions (2):

Ambry Genetics
Classification: Uncertain significance for Hereditary cancer-predisposing syndrome. Last evaluated: 2022-08-17. Review status: criteria provided, single submitter. Criteria: Ambry Variant Classification Scheme 2023. Collection method: clinical testing. Allele origin: germline.
Comment: The p.Q348L variant (also known as c.1043A>T), located in coding exon 1 of the MET gene, results from an A to T substitution at nucleotide position 1043. The glutamine at codon 348 is replaced by leucine, an amino acid with dissimilar properties. This amino acid position is conserved. In addition, this alteration is predicted to be tolerated by in silico analysis. Since supporting evidence is limited at this time, the clinical significance of this alteration remains unclear.

Labcorp Genetics (formerly Invitae), Labcorp
Classification: Uncertain significance for Renal cell carcinoma. Last evaluated: 2022-04-10. Review status: criteria provided, single submitter. Criteria: Invitae Variant Classification Sherloc (09022015). Collection method: clinical testing. Allele origin: germline.
Comment: Algorithms developed to predict the effect of missense changes on protein structure and function are either unavailable or do not agree on the potential impact of this missense change (SIFT: "Deleterious"; PolyPhen-2: "Benign"; Align-GVGD: "Class C0"). This variant has not been reported in the literature in individuals affected with MET-related conditions. This variant is not present in population databases (gnomAD no frequency). This sequence change replaces glutamine, which is neutral and polar, with leucine, which is neutral and non-polar, at codon 348 of the MET protein (p.Gln348Leu). In summary, the available evidence is currently insufficient to determine the role of this variant in disease. Therefore, it has been classified as a Variant of Uncertain Significance.